The following is an entry in ClinVar:

ClinVar aggregate classification (germline): Uncertain significance (1 of 4 stars; one submission).

Allele frequency attached by ClinVar (database versions not stated): gnomAD exomes below 0.00001; ExAC 0.00001; gnomAD 0.00001; TOPMed 0.00001.
gnomAD v4.1: 3 of 1,614,046 alleles (0.00019%); highest among the groups gnomAD compares: Non-Finnish European, 0.00025%; no homozygotes.

Submission:

Ambry Genetics
Classification: Uncertain significance. Last evaluated: 2024-09-30. Review status: criteria provided, single submitter. Criteria: Ambry Variant Classification Scheme 2023. Collection method: clinical testing. Allele origin: germline.
Comment: The p.Q318K variant (also known as c.952C>A), located in coding exon 2 of the PALLD gene, results from a C to A substitution at nucleotide position 952. The glutamine at codon 318 is replaced by lysine, an amino acid with similar properties. This amino acid position is conserved. In addition, this alteration is predicted to be tolerated by in silico analysis. Since supporting evidence is limited at this time, the clinical significance of this alteration remains unclear.

NM_001166108.2(PALLD):c.952C>A (p.Gln318Lys)

Gene: PALLD (palladin, cytoskeletal associated protein; plus strand). Cytogenetic location: 4q32.3.
Variant type: single nucleotide variant.
Coding change: c.952C>A on transcript NM_001166108.2 (MANE Select); coding-DNA position 952, C replaced by A.
Protein change: p.Gln318Lys; replaces glutamine 318 with lysine.
Molecular consequence: missense variant. On other transcripts: 5 prime UTR variant (1).
Genome position (GRCh38, 1-based): chr4:168,668,233, C>A. VCF-style: chr4-168668233-C-A. GRCh37 (hg19) VCF-style: chr4-169589384-C-A.
Other names: c.-195C>A (NM_001166109.2); c.952C>A, p.Gln318Lys (NM_016081.4); short protein forms Q318K.
Identifiers: ClinVar variation 1767275 (VCV001767275.3), dbSNP rs754418015, ClinGen allele CA3135475.